The following is an entry in ClinVar:

NM_000518.5(HBB):c.282_283dup (p.Asp95fs)

Genes: HBB (hemoglobin subunit beta; minus strand), LOC106099062 (HBB recombination region; plus strand), LOC107133510 (origin of replication at HBB; plus strand). Cytogenetic location: 11p15.4.
Variant type: Microsatellite.
Coding change: c.282_283dup on transcript NM_000518.5 (MANE Select); coding-DNA positions 282 to 283, 2 bases duplicated (TG; older notation c.282_283dupTG).
Protein change: p.Asp95fs; shifts the reading frame from aspartic acid 95.
Molecular consequence: frameshift variant.
Genome position (GRCh38, 1-based): chr11:5,226,609-5,226,610, CA duplicated on the plus strand (TG on the coding strand, the reverse complement: HBB is on the minus strand); duplicating any 2 consecutive bases within chr11:5,226,609-5,226,612 gives the same sequence; the c. name uses the placement nearest the transcript's 3' end. VCF-style (leftmost placement, unchanged base first): chr11-5226608-T-TCA. GRCh37 (hg19) VCF-style: chr11-5247838-T-TCA.
Other names: NM_000518.5(HBB):c.282_283dup; p.Asp95fs; short protein forms D95fs.
Identifiers: ClinVar variation 15428 (VCV000015428.4), dbSNP rs34533941, ClinGen allele CA125294.

ClinVar aggregate classification (germline): Likely pathogenic. Review status: criteria provided, single submitter (1 of 4 stars). 2 submissions from 2 submitters: Likely pathogenic (1). 1 of the submissions does not count toward it. Last evaluated 2023-01-25.

Conditions:
Dominant beta-thalassemia. Also called: Beta-thalassemia, dominant inclusion body type. Identifiers: Orphanet 231226, Orphanet 848, MedGen C1858990, MONDO:0011381, OMIM 603902.
Beta zero thalassemia. Identifiers: MedGen C0271980.

Submissions (2):

Broad Center for Mendelian Genomics, Broad Institute of MIT and Harvard
Classification: Likely pathogenic for Dominant beta-thalassemia. Last evaluated: 2023-01-25. Review status: criteria provided, single submitter. Criteria: ACMG Guidelines, 2015. Collection method: curation. Allele origin: germline. Inheritance: Autosomal dominant inheritance.
Comment: The p.Asp95ValfsTer65 variant in HBB has been previously reported in one individual with beta-thalassemia (PMID: 2291578). This variant has also been reported in ClinVar (Variation ID: 15428) and has been interpreted by OMIM as pathogenic. This variant was absent from large population studies. This variant is predicted to cause a frameshift, which alters the protein‚Äôs amino acid sequence beginning at position 95 and leads to a premature termination codon 65 amino acids downstream. This termination codon occurs within the terminal 50 bases of the last exon and is more likely to escape nonsense mediated decay (NMD) and result in a truncated protein. Heterozygous loss of function of the HBB gene is an established disease mechanism in autosomal dominant beta-thalassemia. In summary, although additional studies are required to fully establish its clinical significance, this variant is likely pathogenic for autosomal dominant beta-thalassemia. ACMG/AMP Criteria applied: PVS1_Strong, PM2_Supporting, PS4_Supporting (Richards 2015).

OMIM
Classification: Pathogenic for BETA-ZERO-THALASSEMIA. Last evaluated: 1990-01-01. Review status: no assertion criteria provided. Collection method: literature only. Allele origin: germline. Not counted in ClinVar's aggregate classification.

Literature cited by the submitters: PubMed 2291578 (cited by OMIM).